The following is an entry in ClinVar:

ClinVar aggregate classification (germline): Uncertain significance (1 of 4 stars; one submission).

Allele frequency attached by ClinVar (database versions not stated): gnomAD exomes 0.00001; TOPMed 0.00002.
gnomAD v4.1: 10 of 1,207,820 alleles (0.00083%); highest among the groups gnomAD compares: Admixed American, 0.022%; 1 homozygote.

Submission:

Labcorp Genetics (formerly Invitae), Labcorp
Classification: Uncertain significance. Last evaluated: 2022-04-04. Review status: criteria provided, single submitter. Criteria: Invitae Variant Classification Sherloc (09022015). Collection method: clinical testing. Allele origin: germline.
Comment: This variant has not been reported in the literature in individuals affected with GPR143-related conditions. This variant is not present in population databases (gnomAD no frequency). This sequence change replaces leucine, which is neutral and non-polar, with phenylalanine, which is neutral and non-polar, at codon 398 of the GPR143 protein (p.Leu398Phe). Algorithms developed to predict the effect of missense changes on protein structure and function (SIFT, PolyPhen-2, Align-GVGD) all suggest that this variant is likely to be tolerated. In summary, the available evidence is currently insufficient to determine the role of this variant in disease. Therefore, it has been classified as a Variant of Uncertain Significance.

NM_000273.3(GPR143):c.1192C>T (p.Leu398Phe)

Gene: GPR143 (G protein-coupled receptor 143; minus strand). Cytogenetic location: Xp22.2.
Variant type: single nucleotide variant.
Coding change: c.1192C>T on transcript NM_000273.3 (MANE Select); coding-DNA position 1192, C replaced by T.
Protein change: p.Leu398Phe; replaces leucine 398 with phenylalanine.
Molecular consequence: missense variant.
Genome position (GRCh38, 1-based): chrX:9,725,769, G>A on the plus strand (C>T on the coding strand, the complement: GPR143 is on the minus strand). VCF-style: chrX-9725769-G-A. GRCh37 (hg19) VCF-style: chrX-9693809-G-A.
Other names: short protein forms L398F.
Identifiers: ClinVar variation 1907595 (VCV001907595.5), dbSNP rs2083322748, ClinGen allele CA411992149.